The following is an entry in ClinVar:

ClinVar aggregate classification (germline): Uncertain significance (1 of 4 stars; one submission).

Conditions:
Atrial fibrillation, familial, 7 (ATFB7). Identifiers: MedGen C2677106, MONDO:0012828, OMIM 612240.

Submission:

Labcorp Genetics (formerly Invitae), Labcorp
Classification: Uncertain significance for Atrial fibrillation, familial, 7. Last evaluated: 2026-01-05. Review status: criteria provided, single submitter. Criteria: Invitae Variant Classification Sherloc (09022015). Collection method: clinical testing. Allele origin: germline.
Comment: This sequence change affects codon 545 of the KCNA5 mRNA. It is a 'silent' change, meaning that it does not change the encoded amino acid sequence of the KCNA5 protein. This variant is present in population databases (rs368202706, gnomAD no frequency). This variant has not been reported in the literature in individuals affected with KCNA5-related conditions. In summary, the available evidence is currently insufficient to determine the role of this variant in disease. Therefore, it has been classified as a Variant of Uncertain Significance.

NM_002234.4(KCNA5):c.1635G>C (p.Gly545=)

Gene: KCNA5 (potassium voltage-gated channel subfamily A member 5; plus strand). Cytogenetic location: 12p13.32.
Variant type: single nucleotide variant.
Coding change: c.1635G>C on transcript NM_002234.4 (MANE Select); coding-DNA position 1635, G replaced by C.
Protein change: p.Gly545=; no amino-acid change (glycine 545 retained).
Molecular consequence: synonymous variant.
Genome position (GRCh38, 1-based): chr12:5,045,782, G>C. VCF-style: chr12-5045782-G-C. GRCh37 (hg19) VCF-style: chr12-5154948-G-C.
Identifiers: ClinVar variation 4766400 (VCV004766400.1).